The following is an entry in ClinVar:

NM_001184.4(ATR):c.2402A>T (p.Asp801Val)

Gene: ATR (ATR checkpoint kinase; minus strand). Cytogenetic location: 3q23.
Variant type: single nucleotide variant.
Coding change: c.2402A>T on transcript NM_001184.4 (MANE Select); coding-DNA position 2402, A replaced by T.
Protein change: p.Asp801Val; replaces aspartic acid 801 with valine.
Molecular consequence: missense variant.
Genome position (GRCh38, 1-based): chr3:142,553,955, T>A on the plus strand (A>T on the coding strand, the complement: ATR is on the minus strand). VCF-style: chr3-142553955-T-A. GRCh37 (hg19) VCF-style: chr3-142272797-T-A.
Other names: c.2210A>T, p.Asp737Val (NM_001354579.2); short protein forms D801V, D737V.
Identifiers: ClinVar variation 2587582 (VCV002587582.2), dbSNP rs2108465814, ClinGen allele CA354816980.

ClinVar aggregate classification (germline): Uncertain significance (1 of 4 stars; one submission).

Conditions:
Inborn genetic diseases. Identifiers: MedGen C0950123, MeSH D030342.

Submission:

Ambry Genetics
Classification: Uncertain significance for Inborn genetic diseases. Last evaluated: 2023-08-04. Review status: criteria provided, single submitter. Criteria: Ambry Variant Classification Scheme 2023. Collection method: clinical testing. Allele origin: germline.
Comment: The p.D801V variant (also known as c.2402A>T), located in coding exon 11 of the ATR gene, results from an A to T substitution at nucleotide position 2402. The aspartic acid at codon 801 is replaced by valine, an amino acid with highly dissimilar properties. This amino acid position is conserved. In addition, this alteration is predicted to be tolerated by in silico analysis. Since supporting evidence is limited at this time, the clinical significance of this alteration remains unclear.